The following is an entry in ClinVar:

NM_006017.3(PROM1):c.1184A>G (p.Asn395Ser)

Gene: PROM1 (prominin 1; minus strand). Cytogenetic location: 4p15.32.
Variant type: single nucleotide variant.
Coding change: c.1184A>G on transcript NM_006017.3 (MANE Select); coding-DNA position 1184, A replaced by G.
Protein change: p.Asn395Ser; replaces asparagine 395 with serine.
Molecular consequence: missense variant.
Genome position (GRCh38, 1-based): chr4:16,009,066, T>C on the plus strand (A>G on the coding strand, the complement: PROM1 is on the minus strand). VCF-style: chr4-16009066-T-C. GRCh37 (hg19) VCF-style: chr4-16010689-T-C.
Other names: c.1157A>G, p.Asn386Ser (NM_001145847.2, NM_001145848.2, NM_001145851.2 and 4 more transcripts); c.1184A>G, p.Asn395Ser (NM_001145849.2, NM_001145850.2); c.1184A>G (NM_006017.2); short protein forms N386S, N395S.
Identifiers: ClinVar variation 1003481 (VCV001003481.11), dbSNP rs749726796, ClinGen allele CA2866840.

ClinVar aggregate classification (germline): Uncertain significance. Review status: criteria provided, multiple submitters, no conflicts (2 of 4 stars). 4 submissions from 4 submitters: Uncertain significance (4). Last evaluated 2026-06-18.

Conditions:
PROM1-related disorder. Also called: PROM1-related disorders; PROM1-related condition.
Inborn genetic diseases. Identifiers: MedGen C0950123, MeSH D030342.

Allele frequency attached by ClinVar (database versions not stated): ExAC 0.00001; gnomAD 0.00001; gnomAD exomes 0.00001; TOPMed 0.00005.
gnomAD v4.1: 18 of 1,611,982 alleles (0.0011%); highest among the groups gnomAD compares: East Asian, 0.0022%; no homozygotes.

Submissions (4):

PreventionGenetics, part of Exact Sciences
Classification: Uncertain significance for PROM1-related condition. Last evaluated: 2026-06-18. Review status: criteria provided, single submitter. Criteria: ACMG Guidelines, 2015. Collection method: clinical testing. Allele origin: germline.
Comment: The PROM1 c.1184A>G variant is predicted to result in the amino acid substitution p.Asn395Ser. To our knowledge, this variant has not been reported in the literature. This variant is reported in 0.0056% of alleles in individuals of East Asian descent in gnomAD. At this time, the clinical significance of this variant is uncertain due to the absence of conclusive functional and genetic evidence.

Labcorp Genetics (formerly Invitae), Labcorp
Classification: Uncertain significance. Last evaluated: 2024-04-25. Review status: criteria provided, single submitter. Criteria: Invitae Variant Classification Sherloc (09022015). Collection method: clinical testing. Allele origin: germline.
Comment: This sequence change replaces asparagine, which is neutral and polar, with serine, which is neutral and polar, at codon 395 of the PROM1 protein (p.Asn395Ser). This variant is present in population databases (rs749726796, gnomAD 0.006%). This variant has not been reported in the literature in individuals affected with PROM1-related conditions. ClinVar contains an entry for this variant (Variation ID: 1003481). Advanced modeling of protein sequence and biophysical properties (such as structural, functional, and spatial information, amino acid conservation, physicochemical variation, residue mobility, and thermodynamic stability) performed at Invitae indicates that this missense variant is not expected to disrupt PROM1 protein function with a negative predictive value of 80%. In summary, the available evidence is currently insufficient to determine the role of this variant in disease. Therefore, it has been classified as a Variant of Uncertain Significance.

Ambry Genetics
Classification: Uncertain significance for Inborn genetic diseases. Last evaluated: 2024-01-16. Review status: criteria provided, single submitter. Criteria: Ambry Variant Classification Scheme 2023. Collection method: clinical testing. Allele origin: germline.

Blueprint Genetics
Classification: Uncertain significance. Last evaluated: 2022-09-27. Review status: criteria provided, single submitter. Criteria: ACMG Guidelines, 2015. Collection method: clinical testing. Allele origin: germline.